The following is an entry in ClinVar:

NM_012310.5(KIF4A):c.2899-7G>T

Gene: KIF4A (kinesin family member 4A; plus strand). Cytogenetic location: Xq13.1.
Variant type: single nucleotide variant.
Coding change: c.2899-7G>T on transcript NM_012310.5 (MANE Select); 7 bases into the intron before coding-DNA position 2899, G replaced by T.
Molecular consequence: intron variant.
Genome position (GRCh38, 1-based): chrX:70,405,821, G>T. VCF-style: chrX-70405821-G-T. GRCh37 (hg19) VCF-style: chrX-69625671-G-T.
Identifiers: ClinVar variation 2627259 (VCV002627259.1), dbSNP rs2519695458, ClinGen allele CA2582342911.

ClinVar aggregate classification (germline): Uncertain significance (1 of 4 stars; one submission).

Submission:

Women's Health and Genetics/Laboratory Corporation of America, LabCorp
Classification: Uncertain significance. Last evaluated: 2023-09-16. Review status: criteria provided, single submitter. Criteria: LabCorp Variant Classification Summary - May 2015. Collection method: clinical testing. Allele origin: germline.
Comment: Variant summary: KIF4A c.2899-7G>T alters a non-conserved nucleotide located close to a canonical splice site and therefore could affect mRNA splicing, leading to a significantly altered protein sequence. Consensus agreement among computation tools predict no significant impact on normal splicing. However, these predictions have yet to be confirmed by functional studies. The variant was absent in 180996 control chromosomes (gnomAD). The available data on variant occurrences in the general population are insufficient to allow any conclusion about variant significance. To our knowledge, no occurrence of c.2899-7G>T in individuals affected with Intellectual Disability, X-Linked 100 and no experimental evidence demonstrating its impact on protein function have been reported. No submitters have reported clinical-significance assessments for this variant to ClinVar after 2014. Based on the evidence outlined above, the variant was classified as uncertain significance.